The following is an entry in ClinVar:

ClinVar aggregate classification (germline): Pathogenic (1 of 4 stars; one submission).

Submission:

Labcorp Genetics (formerly Invitae), Labcorp
Classification: Pathogenic. Last evaluated: 2023-10-24. Review status: criteria provided, single submitter. Criteria: Invitae Variant Classification Sherloc (09022015). Collection method: clinical testing. Allele origin: unknown.
Comment: This variant results in the deletion of part of exon 3, exons 4-13 and part of exon 14 (c.317_1838del) of the COL7A1 gene. This deletion is out-of-frame, and is expected to create a premature termination codon and result in an absent or disrupted protein product. Loss-of-function variants in COL7A1 are known to be pathogenic (PMID: 16971478). This variant has not been reported in the literature in individuals affected with COL7A1-related conditions. For these reasons, this variant has been classified as Pathogenic.

Literature cited by the submitters: PubMed 16971478.

NC_000003.11:g.(?_48627960)_(48631079_?)del

Gene: COL7A1 (collagen type VII alpha 1 chain; minus strand). Cytogenetic location: 3p21.31.
Variant type: Deletion.
Identifiers: ClinVar variation 3246953 (VCV003246953.1).